The following is an entry in ClinVar:

ClinVar aggregate classification (germline): Likely benign (1 of 4 stars; one submission).

Submission:

Women's Health and Genetics/Laboratory Corporation of America, LabCorp
Classification: Likely benign. Last evaluated: 2026-05-15. Review status: criteria provided, single submitter. Criteria: LabCorp Variant Classification Summary - May 2015. Collection method: clinical testing. Allele origin: germline.
Comment: Variant summary: CRNKL1 c.2029-14C>G alters a nucleotide located at a position not widely known to affect splicing. Consensus agreement among computation tools predict no significant impact on normal splicing. However, these predictions have yet to be confirmed by functional studies. The variant was absent in 156128 control chromosomes. The available data on variant occurrences in the general population are insufficient to allow any conclusion about variant significance. To our knowledge, no occurrence of c.2029-14C>G in individuals affected with CRNKL1-related conditions and no experimental evidence demonstrating its impact on protein function have been reported. No submitters have cited clinical-significance assessments for this variant to ClinVar. Based on the evidence outlined above, the variant was classified as likely benign.

NM_001278628.2(CRNKL1):c.1546-14C>G

Gene: CRNKL1 (crooked neck pre-mRNA splicing factor 1; minus strand). Cytogenetic location: 20p11.23.
Variant type: single nucleotide variant.
Coding change: c.1546-14C>G on transcript NM_001278628.2 (MANE Select); 14 bases into the intron before coding-DNA position 1546, C replaced by G.
Molecular consequence: intron variant.
Genome position (GRCh38, 1-based): chr20:20,038,464, G>C on the plus strand (C>G on the coding strand, the complement: CRNKL1 is on the minus strand). VCF-style: chr20-20038464-G-C. GRCh37 (hg19) VCF-style: chr20-20019108-G-C.
Other names: c.1177-14C>G (NM_001278627.2, NM_001278626.2); c.1993-14C>G (NM_001278625.2); c.2029-14C>G (NM_016652.6).
Identifiers: ClinVar variation 4853040 (VCV004853040.1).
Genomic context (GRCh38, chr20:20,038,464, plus strand): 5'-GTTTCTTCCTGCTCAATTTCAAAATCAATATATGATTTCCAAAGCACCTAAGGAAGAAAA[G>C]TAAATGGGTCAGTCTTGACATTTACAAAGCAGCATGCCCCCATCCAAAGCACAGCTGAAG-3'